The following is an entry in ClinVar:

ClinVar aggregate classification (germline): Likely pathogenic (1 of 4 stars; one submission).

Conditions:
Hereditary spherocytosis type 4. Also called: SLC4A1-Related Spherocytosis. Identifiers: Orphanet 822, MedGen C2675212, MONDO:0012981, OMIM 612653.

Submission:

Juno Genomics, Hangzhou Juno Genomics, Inc
Classification: Likely pathogenic for Hereditary spherocytosis type 4. Review status: criteria provided, single submitter. Criteria: ACMG Guidelines, 2015. Collection method: clinical testing. Allele origin: germline. Affected: yes.
Comment: Absent from controls (or at extremely low frequency if recessive) in Genome Aggregation Database, Exome Sequencing Project, 1000 Genomes Project, or Exome Aggregation Consortium.;Null variant in a gene where loss of function (LOF) is a known mechanism of disease.

NM_000342.4(SLC4A1):c.1484_1490del (p.Phe495fs)

Gene: SLC4A1 (solute carrier family 4 member 1 (Diego blood group); minus strand). Cytogenetic location: 17q21.31.
Variant type: Deletion.
Coding change: c.1484_1490del on transcript NM_000342.4 (MANE Select); coding-DNA positions 1484 to 1490, 7 bases deleted (TCTGGCT; older notation c.1484_1490delTCTGGCT).
Protein change: p.Phe495fs; shifts the reading frame from phenylalanine 495.
Molecular consequence: frameshift variant.
Genome position (GRCh38, 1-based): chr17:44,257,486-44,257,492, AGCCAGA deleted on the plus strand (TCTGGCT on the coding strand, the reverse complement: SLC4A1 is on the minus strand); deleting any 7 consecutive bases within chr17:44,257,486-44,257,496 gives the same sequence; the c. name uses the placement nearest the transcript's 3' end. VCF-style (leftmost placement, unchanged base first): chr17-44257485-GAGCCAGA-G. GRCh37 (hg19) VCF-style: chr17-42334853-GAGCCAGA-G.
Other names: short protein forms F495fs.
Identifiers: ClinVar variation 3383125 (VCV003383125.2).